The following is an entry in ClinVar:

NM_004667.6(HERC2):c.11079C>T (p.Ser3693=)

Gene: HERC2 (HECT and RLD domain containing E3 ubiquitin protein ligase 2; minus strand). Cytogenetic location: 15q13.1.
Variant type: single nucleotide variant.
Coding change: c.11079C>T on transcript NM_004667.6 (MANE Select); coding-DNA position 11079, C replaced by T.
Protein change: p.Ser3693=; no amino-acid change (serine 3693 retained).
Molecular consequence: synonymous variant.
Genome position (GRCh38, 1-based): chr15:28,144,734, G>A on the plus strand (C>T on the coding strand, the complement: HERC2 is on the minus strand). VCF-style: chr15-28144734-G-A. GRCh37 (hg19) VCF-style: chr15-28389880-G-A.
Identifiers: ClinVar variation 3055821 (VCV003055821.2), dbSNP rs1133496, ClinGen allele CA7440659.

ClinVar aggregate classification (germline): Benign (0 of 4 stars; one submission).

Conditions:
HERC2-related disorder. Also called: HERC2-related condition.

Allele frequency attached by ClinVar (database versions not stated): gnomAD exomes 0.00739; ExAC 0.02483; gnomAD 0.07695; 1000 Genomes Project 0.08666; TOPMed 0.08692; ESP Exome Variant Server 0.09034; 1000 Genomes Project 30x 0.09197.
gnomAD v4.1: 22,896 of 1,614,104 alleles (1.4%); highest among the groups gnomAD compares: African/African-American, 27%; 2,909 homozygotes.

Submission:

PreventionGenetics, part of Exact Sciences
Classification: Benign for HERC2-related condition. Last evaluated: 2024-08-11. Review status: no assertion criteria provided. Collection method: clinical testing. Allele origin: germline.
Comment: This variant is classified as benign based on ACMG/AMP sequence variant interpretation guidelines (Richards et al. 2015 PMID: 25741868, with internal and published modifications).